The following is an entry in ClinVar:

ClinVar aggregate classification (germline): Uncertain significance (1 of 4 stars; one submission).

Conditions:
Hereditary cancer-predisposing syndrome. Also called: Neoplastic Syndromes, Hereditary; Tumor predisposition; Hereditary Cancer Syndrome; Hereditary neoplastic syndrome. Identifiers: Orphanet 140162, MedGen C0027672, MeSH D009386, MONDO:0015356.

Submission:

Ambry Genetics
Classification: Uncertain significance for Hereditary cancer-predisposing syndrome. Last evaluated: 2026-04-22. Review status: criteria provided, single submitter. Criteria: Ambry Variant Classification Scheme 2023. Collection method: clinical testing. Allele origin: germline.
Comment: The p.E737K variant (also known as c.2209G>A), located in coding exon 14 of the PTCH1 gene, results from a G to A substitution at nucleotide position 2209. The glutamic acid at codon 737 is replaced by lysine, an amino acid with similar properties. This amino acid position is highly conserved in available vertebrate species. In addition, this alteration is predicted to be deleterious by in silico analysis. Based on the available evidence, the clinical significance of this variant remains unclear.

NM_000264.5(PTCH1):c.2209G>A (p.Glu737Lys)

Genes: PTCH1 (patched 1; minus strand), LOC100507346 (uncharacterized LOC100507346; plus strand). Cytogenetic location: 9q22.32.
Variant type: single nucleotide variant.
Coding change: c.2209G>A on transcript NM_000264.5 (MANE Select); coding-DNA position 2209, G replaced by A.
Protein change: p.Glu737Lys; replaces glutamic acid 737 with lysine.
Molecular consequence: missense variant. On other transcripts: non-coding transcript variant (2).
Genome position (GRCh38, 1-based): chr9:95,468,792, C>T on the plus strand (G>A on the coding strand, the complement: PTCH1 is on the minus strand). VCF-style: chr9-95468792-C-T. GRCh37 (hg19) VCF-style: chr9-98231074-C-T.
Other names: c.1756G>A, p.Glu586Lys (NM_001083604.3, NM_001083605.3, NM_001083606.3 and 1 more transcripts); c.2053G>A, p.Glu685Lys (NM_001354918.2); c.2011G>A, p.Glu671Lys (NM_001083602.3); c.2206G>A, p.Glu736Lys (NM_001083603.3); short protein forms E586K, E671K, E685K, E736K, E737K.
Identifiers: ClinVar variation 4862666 (VCV004862666.1).